The following is an entry in ClinVar:

ClinVar aggregate classification (germline): Uncertain significance. Review status: criteria provided, multiple submitters, no conflicts (2 of 4 stars). 2 submissions from 2 submitters: Uncertain significance (2). Last evaluated 2025-05-07.

Conditions:
Inborn genetic diseases. Identifiers: MedGen C0950123, MeSH D030342.

Allele frequency attached by ClinVar (database versions not stated): gnomAD exomes below 0.00001; TOPMed 0.00001; ExAC 0.00001.
gnomAD v4.1: 2 of 1,614,068 alleles (0.00012%); highest among the groups gnomAD compares: Admixed American, 0.0017%; no homozygotes.

Submissions (2):

Ambry Genetics
Classification: Uncertain significance for Inborn genetic diseases. Last evaluated: 2025-05-07. Review status: criteria provided, single submitter. Criteria: Ambry Variant Classification Scheme 2023. Collection method: clinical testing. Allele origin: germline.

Labcorp Genetics (formerly Invitae), Labcorp
Classification: Uncertain significance. Last evaluated: 2022-07-27. Review status: criteria provided, single submitter. Criteria: Invitae Variant Classification Sherloc (09022015). Collection method: clinical testing. Allele origin: germline.
Comment: In summary, the available evidence is currently insufficient to determine the role of this variant in disease. Therefore, it has been classified as a Variant of Uncertain Significance. Algorithms developed to predict the effect of missense changes on protein structure and function output the following: SIFT: "Deleterious"; PolyPhen-2: "Benign"; Align-GVGD: "Class C0". The arginine amino acid residue is found in multiple mammalian species, which suggests that this missense change does not adversely affect protein function. This variant has not been reported in the literature in individuals affected with KIAA0753-related conditions. This variant is present in population databases (rs760965351, gnomAD 0.003%). This sequence change replaces isoleucine, which is neutral and non-polar, with arginine, which is basic and polar, at codon 210 of the KIAA0753 protein (p.Ile210Arg).

NM_014804.3(KIAA0753):c.629T>G (p.Ile210Arg)

Gene: KIAA0753 (KIAA0753; minus strand). Cytogenetic location: 17p13.1.
Variant type: single nucleotide variant.
Coding change: c.629T>G on transcript NM_014804.3 (MANE Select); coding-DNA position 629, T replaced by G.
Protein change: p.Ile210Arg; replaces isoleucine 210 with arginine.
Molecular consequence: missense variant. On other transcripts: 5 prime UTR variant (1), non-coding transcript variant (3).
Genome position (GRCh38, 1-based): chr17:6,628,206, A>C on the plus strand (T>G on the coding strand, the complement: KIAA0753 is on the minus strand). VCF-style: chr17-6628206-A-C. GRCh37 (hg19) VCF-style: chr17-6531526-A-C.
Other names: c.-606T>G (NM_001351225.2); c.629T>G (NM_014804.2); short protein forms I210R.
Identifiers: ClinVar variation 1961583 (VCV001961583.5), dbSNP rs760965351, ClinGen allele CA8330736.